The following is an entry in ClinVar:

NM_001035.3(RYR2):c.4219G>C (p.Glu1407Gln)

Gene: RYR2 (ryanodine receptor 2; plus strand). Cytogenetic location: 1q43.
Variant type: single nucleotide variant.
Coding change: c.4219G>C on transcript NM_001035.3 (MANE Select); coding-DNA position 4219, G replaced by C.
Protein change: p.Glu1407Gln; replaces glutamic acid 1407 with glutamine.
Molecular consequence: missense variant.
Genome position (GRCh38, 1-based): chr1:237,591,797, G>C. VCF-style: chr1-237591797-G-C. GRCh37 (hg19) VCF-style: chr1-237755097-G-C.
Other names: short protein forms E1407Q.
Identifiers: ClinVar variation 971883 (VCV000971883.11), dbSNP rs1420999217, ClinGen allele CA345398648.

ClinVar aggregate classification (germline): Uncertain significance (1 of 4 stars; one submission).

Conditions:
Catecholaminergic polymorphic ventricular tachycardia 1. Also called: VENTRICULAR TACHYCARDIA, CATECHOLAMINERGIC POLYMORPHIC, 1, WITH OR WITHOUT ATRIAL DYSFUNCTION AND/OR DILATED CARDIOMYOPATHY; VENTRICULAR TACHYCARDIA, STRESS-INDUCED POLYMORPHIC 1; RYR2-Related Catecholaminergic Polymorphic Ventricular Tachycardia. Identifiers: Orphanet 3286, MedGen C1631597, MONDO:0011484, OMIM 604772.

Submission:

Labcorp Genetics (formerly Invitae), Labcorp
Classification: Uncertain significance for Catecholaminergic polymorphic ventricular tachycardia 1. Last evaluated: 2022-11-28. Review status: criteria provided, single submitter. Criteria: Invitae Variant Classification Sherloc (09022015). Collection method: clinical testing. Allele origin: germline.
Comment: This sequence change replaces glutamic acid, which is acidic and polar, with glutamine, which is neutral and polar, at codon 1407 of the RYR2 protein (p.Glu1407Gln). This variant is not present in population databases (gnomAD no frequency). This variant has not been reported in the literature in individuals affected with RYR2-related conditions. ClinVar contains an entry for this variant (Variation ID: 971883). Advanced modeling of protein sequence and biophysical properties (such as structural, functional, and spatial information, amino acid conservation, physicochemical variation, residue mobility, and thermodynamic stability) performed at Invitae indicates that this missense variant is not expected to disrupt RYR2 protein function. In summary, the available evidence is currently insufficient to determine the role of this variant in disease. Therefore, it has been classified as a Variant of Uncertain Significance.